The following is an entry in ClinVar:

NM_015160.3(PMPCA):c.593G>A (p.Arg198Gln)

Genes: PMPCA (peptidase, mitochondrial processing subunit alpha; plus strand), LOC126860792 (CDK7 strongly-dependent group 2 enhancer GRCh37_chr9:139310410-139311609; plus strand). Cytogenetic location: 9q34.3.
Variant type: single nucleotide variant.
Coding change: c.593G>A on transcript NM_015160.3 (MANE Select); coding-DNA position 593, G replaced by A.
Protein change: p.Arg198Gln; replaces arginine 198 with glutamine.
Molecular consequence: missense variant.
Genome position (GRCh38, 1-based): chr9:136,416,351, G>A. VCF-style: chr9-136416351-G-A. GRCh37 (hg19) VCF-style: chr9-139310803-G-A.
Other names: c.200G>A, p.Arg67Gln (NM_001282944.2); c.293G>A, p.Arg98Gln (NM_001282946.2); short protein forms R98Q, R67Q, R198Q.
Identifiers: ClinVar variation 3671060 (VCV003671060.3).

ClinVar aggregate classification (germline): Uncertain significance. Review status: criteria provided, multiple submitters, no conflicts (2 of 4 stars). 2 submissions from 2 submitters: Uncertain significance (2). Last evaluated 2025-09-02.

Conditions:
Autosomal recessive spinocerebellar ataxia 2. Also called: CEREBELLAR GRANULAR CELL HYPOPLASIA AND MENTAL RETARDATION, CONGENITAL; CEREBELLAR HYPOPLASIA, NONPROGRESSIVE NORMAN TYPE; CEREBELLOPARENCHYMAL DISORDER III; CPD III. Identifiers: Orphanet 1170, MedGen C1859298, MONDO:0008943, OMIM 213200.

Submissions (2):

3billion
Classification: Uncertain significance for Autosomal recessive spinocerebellar ataxia 2. Last evaluated: 2025-09-02. Review status: criteria provided, single submitter. Criteria: ACMG Guidelines, 2015. Collection method: clinical testing. Allele origin: germline. Affected: yes.
Comment: The variant is observed at an extremely low frequency in the gnomAD v4.1.0 dataset (total allele frequency: 0.017%). Predicted Consequence/Location: Missense variant In silico tool predictions suggest no damaging effect of the variant on gene or gene product [REVEL: 0.17 (<0.4); 3Cnet: 0.00 (<0.1, specificity 0.84 and negative predicitive value 0.97)]. The variant has been reported as of uncertain significance (ClinVar ID: VCV003671060). Therefore, this variant is classified as VUS according to the recommendation of ACMG/AMP guideline.

Labcorp Genetics (formerly Invitae), Labcorp
Classification: Uncertain significance. Last evaluated: 2025-01-10. Review status: criteria provided, single submitter. Criteria: Invitae Variant Classification Sherloc (09022015). Collection method: clinical testing. Allele origin: germline.
Comment: This sequence change replaces arginine, which is basic and polar, with glutamine, which is neutral and polar, at codon 198 of the PMPCA protein (p.Arg198Gln). This variant is present in population databases (rs138828077, gnomAD 0.1%). This variant has not been reported in the literature in individuals affected with PMPCA-related conditions. An algorithm developed to predict the effect of missense changes on protein structure and function (PolyPhen-2) suggests that this variant is likely to be tolerated. In summary, the available evidence is currently insufficient to determine the role of this variant in disease. Therefore, it has been classified as a Variant of Uncertain Significance.